The following is an entry in ClinVar:

NM_000346.4(SOX9):c.640TCC[2] (p.Ser216del)

Gene: SOX9 (SRY-box transcription factor 9; plus strand). Cytogenetic location: 17q24.3.
Variant type: Microsatellite.
Coding change: c.640TCC[2] on transcript NM_000346.4 (MANE Select); two copies in a row of the 3-base unit TCC starting at c.640; the reference has three copies in a row; one copy, 3 bases deleted.
Protein change: p.Ser216del; deletes serine 216.
Molecular consequence: inframe deletion.
Genome position (GRCh38, 1-based): chr17:72,122,933-72,122,935, TCC deleted; deleting any 3 consecutive bases within chr17:72,122,926-72,122,935 gives the same sequence; the position shown is the placement nearest the transcript's 3' end. VCF-style (leftmost placement, unchanged base first): chr17-72122925-ACTC-A. GRCh37 (hg19) VCF-style: chr17-70119066-ACTC-A.
Other names: short protein forms S216del.
Identifiers: ClinVar variation 2190464 (VCV002190464.4), dbSNP rs1453927920, ClinGen allele CA774800099.

ClinVar aggregate classification (germline): Uncertain significance (1 of 4 stars; one submission).

Conditions:
Camptomelic dysplasia (CMPD). Also called: Campomelic Dysplasia; CMPD1/SRA1. Identifiers: Orphanet 140, MedGen C1861922, MONDO:0007251, OMIM 114290.

Submission:

Labcorp Genetics (formerly Invitae), Labcorp
Classification: Uncertain significance for Camptomelic dysplasia. Last evaluated: 2023-12-12. Review status: criteria provided, single submitter. Criteria: Invitae Variant Classification Sherloc (09022015). Collection method: clinical testing. Allele origin: germline.
Comment: This variant, c.646_648del, results in the deletion of 1 amino acid(s) of the SOX9 protein (p.Ser216del), but otherwise preserves the integrity of the reading frame. This variant is not present in population databases (gnomAD no frequency). This variant has not been reported in the literature in individuals affected with SOX9-related conditions. Experimental studies and prediction algorithms are not available or were not evaluated, and the functional significance of this variant is currently unknown. In summary, the available evidence is currently insufficient to determine the role of this variant in disease. Therefore, it has been classified as a Variant of Uncertain Significance.